The following is an entry in ClinVar:

ClinVar aggregate classification (germline): Uncertain significance. Review status: criteria provided, multiple submitters, no conflicts (2 of 4 stars). 3 submissions from 3 submitters: Uncertain significance (3). Last evaluated 2025-10-27.

Conditions:
Neuropathy, hereditary sensory and autonomic, type 2A (HSAN2A). Also called: WNK1-Related HSAN2 (HSAN2A); ACROOSTEOLYSIS, GIACCAI TYPE; ACROOSTEOLYSIS, NEUROGENIC; MORVAN DISEASE; NEUROPATHY, CONGENITAL SENSORY; NEUROPATHY, HEREDITARY SENSORY RADICULAR, AUTOSOMAL RECESSIVE. Identifiers: Orphanet 970, MedGen C2752089, MONDO:0024309, OMIM 201300.
Channelopathy-associated congenital insensitivity to pain, autosomal recessive. Also called: Insensitivity to pain, channelopathy-associated; ASYMBOLIA FOR PAIN; CONGENITAL ANALGESIA, AUTOSOMAL RECESSIVE. Identifiers: Orphanet 88642, Orphanet 970, MedGen C1855739, MONDO:0009459, OMIM 243000.
Primary erythromelalgia. Also called: primary erythermalgia; SCN9A Erythromelalgia (SCN9A-EM). Identifiers: Orphanet 306577, Orphanet 90026, MedGen C0014805, MONDO:0007571, OMIM 133020.
Paroxysmal extreme pain disorder (PEXPD). Also called: SCN9A Paroxysmal Extreme Pain Disorder (SCN9A-PEPD); PAIN, SUBMANDIBULAR, OCULAR, AND RECTAL, WITH FLUSHING; RECTAL PAIN, FAMILIAL. Identifiers: Orphanet 46348, MedGen C1833661, MONDO:0008179, OMIM 167400.
Generalized epilepsy with febrile seizures plus, type 7 (GEFSP7). Also called: GEFS+, TYPE 7. Identifiers: Orphanet 36387, MedGen C2751778, MONDO:0013470, OMIM 613863.
Inborn genetic diseases. Identifiers: MedGen C0950123, MeSH D030342.

Allele frequency attached by ClinVar (database versions not stated): TOPMed 0.00001.
gnomAD v4.1: 103 of 1,613,722 alleles (0.0064%); highest among the groups gnomAD compares: Non-Finnish European, 0.0086%; no homozygotes.

Submissions (3):

Labcorp Genetics (formerly Invitae), Labcorp
Classification: Uncertain significance for Neuropathy, hereditary sensory and autonomic, type 2A; Generalized epilepsy with febrile seizures plus, type 7. Last evaluated: 2025-10-27. Review status: criteria provided, single submitter. Criteria: Invitae Variant Classification Sherloc (09022015). Collection method: clinical testing. Allele origin: germline.
Comment: This sequence change replaces arginine, which is basic and polar, with proline, which is neutral and non-polar, at codon 1347 of the SCN9A protein (p.Arg1347Pro). This variant is present in population databases (rs200163716, gnomAD 0.005%). This variant has not been reported in the literature in individuals affected with SCN9A-related conditions. ClinVar contains an entry for this variant (Variation ID: 654301). Invitae Evidence Modeling of protein sequence and biophysical properties (such as structural, functional, and spatial information, amino acid conservation, physicochemical variation, residue mobility, and thermodynamic stability) indicates that this missense variant is not expected to disrupt SCN9A protein function with a negative predictive value of 95%. In summary, the available evidence is currently insufficient to determine the role of this variant in disease. Therefore, it has been classified as a Variant of Uncertain Significance.

Department of Pathology and Laboratory Medicine, Sinai Health System
Classification: Uncertain significance for Primary erythromelalgia; Paroxysmal extreme pain disorder; Neuropathy, hereditary sensory and autonomic, type 2A; Channelopathy-associated congenital insensitivity to pain, autosomal recessive. Last evaluated: 2023-01-26. Review status: criteria provided, single submitter. Criteria: ACMG Guidelines, 2015. Collection method: research. Allele origin: germline.

Ambry Genetics
Classification: Uncertain significance for Inborn genetic diseases. Last evaluated: 2021-03-03. Review status: criteria provided, single submitter. Criteria: Ambry Variant Classification Scheme 2023. Collection method: clinical testing. Allele origin: germline.
Comment: The p.R1347P variant (also known as c.4040G>C), located in coding exon 21 of the SCN9A gene, results from a G to C substitution at nucleotide position 4040. The arginine at codon 1347 is replaced by proline, an amino acid with dissimilar properties. This amino acid position is not well conserved in available vertebrate species, and proline is the reference amino acid in other vertebrate species. In addition, the in silico prediction for this alteration is inconclusive. Since supporting evidence is limited at this time, the clinical significance of this alteration remains unclear.

NM_001365536.1(SCN9A):c.4073G>C (p.Arg1358Pro)

Genes: SCN1A-AS1 (SCN1A and SCN9A antisense RNA 1; plus strand), SCN9A (sodium voltage-gated channel alpha subunit 9; minus strand). Cytogenetic location: 2q24.3.
Variant type: single nucleotide variant.
Coding change: c.4073G>C on transcript NM_001365536.1 (MANE Select); coding-DNA position 4073, G replaced by C.
Protein change: p.Arg1358Pro; replaces arginine 1358 with proline.
Molecular consequence: missense variant.
Genome position (GRCh38, 1-based): chr2:166,228,824, C>G on the plus strand (G>C on the coding strand, the complement: SCN9A is on the minus strand). VCF-style: chr2-166228824-C-G. GRCh37 (hg19) VCF-style: chr2-167085334-C-G.
Other names: c.4040G>C, p.Arg1347Pro (NM_002977.4); short protein forms R1347P, R1358P.
Identifiers: ClinVar variation 654301 (VCV000654301.12), dbSNP rs200163716, ClinGen allele CA1943955.